The following is an entry in ClinVar:

NM_000059.4(BRCA2):c.4561C>T (p.Leu1521=)

Gene: BRCA2 (BRCA2 DNA repair associated; plus strand). Cytogenetic location: 13q13.1.
Variant type: single nucleotide variant.
Coding change: c.4561C>T on transcript NM_000059.4 (MANE Select); coding-DNA position 4561, C replaced by T.
Protein change: p.Leu1521=; no amino-acid change (leucine 1521 retained).
Molecular consequence: synonymous variant.
Genome position (GRCh38, 1-based): chr13:32,338,916, C>T. VCF-style: chr13-32338916-C-T. GRCh37 (hg19) VCF-style: chr13-32913053-C-T.
Identifiers: ClinVar variation 185047 (VCV000185047.28), dbSNP rs370723514, ClinGen allele CA020447.
Genomic context (GRCh38, chr13:32,338,916, plus strand): 5'-AATCAACTAGTGACCTTCCAGGGACAACCCGAACGTGATGAAAAGATCAAAGAACCTACT[C>T]TATTGGGTTTTCATACAGCTAGCGGGAAAAAAGTTAAAATTGCAAAGGAATCTTTGGACA-3'
Protein context (NP_000050.3, residues 1511-1531): ERDEKIKEPT[Leu1521=]LGFHTASGKK

ClinVar aggregate classification (germline): Likely benign. Review status: reviewed by expert panel (3 of 4 stars). 8 submissions from 8 submitters: Likely benign (1). 7 of the submissions do not count toward it. Last evaluated 2017-06-29.

Conditions:
Hereditary cancer-predisposing syndrome. Also called: Tumor predisposition; Hereditary Cancer Syndrome; Hereditary neoplastic syndrome; Neoplastic Syndromes, Hereditary. Identifiers: Orphanet 140162, MedGen C0027672, MeSH D009386, MONDO:0015356.
Hereditary breast ovarian cancer syndrome. Also called: Breast and ovarian cancer; Hereditary breast and ovarian cancer syndrome; Hereditary breast and ovarian cancer; BRCA1- and BRCA2-Associated Hereditary Breast and Ovarian Cancer; Hereditary breast and ovarian cancer syndrome (HBOC); Hereditary breast and/or ovarian cancer syndrome. Identifiers: Orphanet 145, MedGen C0677776, MeSH D061325, MONDO:0003582. Disease mechanism: loss of function.
Breast-ovarian cancer, familial, susceptibility to, 2 (BROVCA2). Also called: BRCA2 Hereditary Breast and Ovarian Cancer. Identifiers: Orphanet 145, MedGen C2675520, MONDO:0012933, OMIM 612555. Disease mechanism: loss of function.

Allele frequency attached by ClinVar (database versions not stated): ExAC 0.00001; gnomAD 0.00001; gnomAD exomes 0.00001; TOPMed 0.00001; ESP Exome Variant Server 0.00008.
gnomAD v4.1: 9 of 1,613,834 alleles (0.00056%); highest among the groups gnomAD compares: African/African-American, 0.0027%; no homozygotes.

Submissions (8):

Evidence-based Network for the Interpretation of Germline Mutant Alleles (ENIGMA)
Classification: Likely benign for Breast-ovarian cancer, familial, susceptibility to, 2. Last evaluated: 2017-06-29. Review status: reviewed by expert panel. Criteria: ENIGMA BRCA1/2 Classification Criteria (2017-06-29). Collection method: curation. Allele origin: germline.
Comment: Synonymous substitution variant, with low bioinformatic likelihood to result in a splicing aberration (Splicing prior probability 0.02).

Labcorp Genetics (formerly Invitae), Labcorp
Classification: Likely benign for Hereditary breast ovarian cancer syndrome. Last evaluated: 2025-12-02. Review status: criteria provided, single submitter. Criteria: Invitae Variant Classification Sherloc (09022015). Collection method: clinical testing. Allele origin: germline. Not counted in ClinVar's aggregate classification.

All of Us Research Program, National Institutes of Health
Classification: Likely benign for Breast-ovarian cancer, familial, susceptibility to, 2. Last evaluated: 2023-06-26. Review status: criteria provided, single submitter. Criteria: ACMG Guidelines, 2015. Collection method: clinical testing. Allele origin: germline. Inheritance: Autosomal dominant inheritance. Observed: 1 variant allele, 1 heterozygote. Not counted in ClinVar's aggregate classification.
Comment: This study involves interpretation of variants in research participants for the purpose of population health screening. Participant phenotype was not available at the time of variant classification. Additional details can be found in publication PMID: 35346344, PMCID: PMC8962531

Quest Diagnostics Nichols Institute San Juan Capistrano
Classification: Likely benign. Last evaluated: 2021-05-21. Review status: criteria provided, single submitter. Criteria: Quest Diagnostics criteria. Collection method: clinical testing. Allele origin: unknown. Not counted in ClinVar's aggregate classification.

Women's Health and Genetics/Laboratory Corporation of America, LabCorp
Classification: Likely benign. Last evaluated: 2019-10-31. Review status: criteria provided, single submitter. Criteria: LabCorp Variant Classification Summary - May 2015. Collection method: clinical testing. Allele origin: germline. Not counted in ClinVar's aggregate classification.

Genetic Services Laboratory, University of Chicago
Classification: Likely benign. Last evaluated: 2019-06-14. Review status: criteria provided, single submitter. Criteria: ACMG Guidelines, 2015. Collection method: clinical testing. Allele origin: germline. Affected: no. Not counted in ClinVar's aggregate classification.

Color Diagnostics, LLC DBA Color Health
Classification: Likely benign for Hereditary cancer-predisposing syndrome. Last evaluated: 2016-07-22. Review status: criteria provided, single submitter. Criteria: ACMG Guidelines, 2015. Collection method: clinical testing. Allele origin: germline. Not counted in ClinVar's aggregate classification.

Ambry Genetics
Classification: Likely benign for Hereditary cancer-predisposing syndrome. Last evaluated: 2015-03-25. Review status: criteria provided, single submitter. Criteria: Ambry Variant Classification Scheme 2023. Collection method: clinical testing. Allele origin: germline. Not counted in ClinVar's aggregate classification.

Literature cited by the submitters: PubMed 20104584 (cited by Quest Diagnostics Nichols Institute San Juan Capistrano and Women's Health and Genetics/Laboratory Corporation of America, LabCorp); PubMed 28357044 (cited by Quest Diagnostics Nichols Institute San Juan Capistrano and Women's Health and Genetics/Laboratory Corporation of America, LabCorp); PubMed 24884828 (cited by Women's Health and Genetics/Laboratory Corporation of America, LabCorp); PubMed 25948282 (cited by Women's Health and Genetics/Laboratory Corporation of America, LabCorp); PubMed 28439188 (cited by Women's Health and Genetics/Laboratory Corporation of America, LabCorp).